The following is an entry in ClinVar:

NM_021956.5(GRIK2):c.924T>C (p.Asp308=)

Gene: GRIK2 (glutamate ionotropic receptor kainate type subunit 2; plus strand). Cytogenetic location: 6q16.3.
Variant type: single nucleotide variant.
Coding change: c.924T>C on transcript NM_021956.5 (MANE Select); coding-DNA position 924, T replaced by C.
Protein change: p.Asp308=; no amino-acid change (aspartic acid 308 retained).
Molecular consequence: synonymous variant.
Genome position (GRCh38, 1-based): chr6:101,686,326, T>C. VCF-style: chr6-101686326-T-C. GRCh37 (hg19) VCF-style: chr6-102134201-T-C.
Other names: c.924T>C, p.Asp308= (NM_001166247.1, NM_175768.3).
Identifiers: ClinVar variation 1336607 (VCV001336607.26), dbSNP rs146795156, ClinGen allele CA3939435.
Genomic context (GRCh38, chr6:101,686,326, plus strand): 5'-AGTCTCCTCCATCATTGAAAAGTGGTCGATGGAACGATTGCAGGCACCTCCGAAACCCGA[T>C]TCAGGTTTGCTGGATGGATTTATGACGGTATGAATACCCACTTAAAGATCAGTTTGTGTG-3'
Protein context (NP_068775.1, residues 298-318): MERLQAPPKP[Asp308=]SGLLDGFMTT

ClinVar aggregate classification (germline): Likely benign. Review status: criteria provided, multiple submitters, no conflicts (2 of 4 stars). 2 submissions from 2 submitters: Likely benign (2). Last evaluated 2025-06-01.

Allele frequency attached by ClinVar (database versions not stated): ExAC 0.00012; gnomAD 0.00014 and 0.00015; gnomAD exomes 0.00016 and 0.00033; ESP Exome Variant Server 0.00038.
gnomAD v4.1: 516 of 1,613,344 alleles (0.032%); highest among the groups gnomAD compares: Non-Finnish European, 0.04%; no homozygotes.

Submissions (2):

CeGaT Center for Human Genetics Tuebingen
Classification: Likely benign. Last evaluated: 2025-06-01. Review status: criteria provided, single submitter. Criteria: CeGaT Center For Human Genetics Tuebingen Variant Classification Criteria Version 2. Collection method: clinical testing. Allele origin: germline. Affected: yes. Observed: 2 variant alleles.
Comment: GRIK2: BP4, BP7

Genetic Services Laboratory, University of Chicago
Classification: Likely benign. Last evaluated: 2018-04-03. Review status: criteria provided, single submitter. Criteria: ACMG Guidelines, 2015. Collection method: clinical testing. Allele origin: germline. Affected: no.